The following is an entry in ClinVar:

ClinVar aggregate classification (germline): Uncertain significance (1 of 4 stars; one submission).

Conditions:
Duchenne muscular dystrophy (DMD). Also called: MUSCULAR DYSTROPHY, PSEUDOHYPERTROPHIC PROGRESSIVE, DUCHENNE TYPE; Duchenne Muscular Dystrophy (DMD). Identifiers: Orphanet 98896, MedGen C0013264, MONDO:0010679, OMIM 310200.

Submission:

Labcorp Genetics (formerly Invitae), Labcorp
Classification: Uncertain significance for Duchenne muscular dystrophy. Last evaluated: 2025-12-22. Review status: criteria provided, single submitter. Criteria: Invitae Variant Classification Sherloc (09022015). Collection method: clinical testing. Allele origin: germline.
Comment: This sequence change falls in intron 31 of the DMD gene. It does not directly change the encoded amino acid sequence of the DMD protein. It affects a nucleotide within the consensus splice site. This variant is not present in population databases (gnomAD no frequency). This variant has not been reported in the literature in individuals affected with DMD-related conditions. Variants that disrupt the consensus splice site are a relatively common cause of aberrant splicing (PMID: 17576681, 9536098). Algorithms developed to predict the effect of sequence changes on RNA splicing suggest that this variant may disrupt the consensus splice site. In summary, the available evidence is currently insufficient to determine the role of this variant in disease. Therefore, it has been classified as a Variant of Uncertain Significance.

Literature cited by the submitters: PubMed 17576681; PubMed 9536098.

NM_004006.3(DMD):c.4345-3C>A

Gene: DMD (dystrophin; minus strand). Cytogenetic location: Xp21.1.
Variant type: single nucleotide variant.
Coding change: c.4345-3C>A on transcript NM_004006.3 (MANE Select); 3 bases into the intron before coding-DNA position 4345, C replaced by A.
Molecular consequence: intron variant.
Genome position (GRCh38, 1-based): chrX:32,389,677, G>T on the plus strand (C>A on the coding strand, the complement: DMD is on the minus strand). VCF-style: chrX-32389677-G-T. GRCh37 (hg19) VCF-style: chrX-32407794-G-T.
Other names: c.4321-3C>A (NM_000109.4); c.322-3C>A (NM_004011.4); c.313-3C>A (NM_004012.4); c.4333-3C>A (NM_004009.3); c.3976-3C>A (NM_004010.3).
Identifiers: ClinVar variation 4733365 (VCV004733365.1).